The following is an entry in ClinVar:

NM_001953.5(TYMP):c.517-15G>A

Gene: TYMP (thymidine phosphorylase; minus strand). Cytogenetic location: 22q13.33.
Variant type: single nucleotide variant.
Coding change: c.517-15G>A on transcript NM_001953.5 (MANE Select); 15 bases into the intron before coding-DNA position 517, G replaced by A.
Molecular consequence: intron variant.
Genome position (GRCh38, 1-based): chr22:50,527,732, C>T on the plus strand (G>A on the coding strand, the complement: TYMP is on the minus strand). VCF-style: chr22-50527732-C-T. GRCh37 (hg19) VCF-style: chr22-50966161-C-T.
Other names: c.517-15G>A (NM_001257989.1, NM_001257988.1, NM_001113755.3 and 3 more transcripts).
Identifiers: ClinVar variation 512317 (VCV000512317.12), dbSNP rs372690172, ClinGen allele CA10321706.

ClinVar aggregate classification (germline): Conflicting classifications of pathogenicity. Review status: criteria provided, conflicting classifications (1 of 4 stars). 3 submissions from 3 submitters: Uncertain significance (1); Likely benign (2). Last evaluated 2026-01-21.

Conditions:
Mitochondrial DNA depletion syndrome 1. Also called: Mitochondrial Neurogastrointestinal Encephalopathy Disease; MITOCHONDRIAL NEUROGASTROINTESTINAL ENCEPHALOPATHY SYNDROME, TYMP-RELATED; MNGIE, TYMP-RELATED; POLIP SYNDROME; POLYNEUROPATHY, OPHTHALMOPLEGIA, LEUKOENCEPHALOPATHY, AND INTESTINAL PSEUDOOBSTRUCTION; Mitochondrial DNA depletion syndrome 1 (MNGIE type). Identifiers: Orphanet 298, MedGen C4551995, MONDO:0011283, OMIM 603041.

Allele frequency attached by ClinVar (database versions not stated): ExAC 0.00005; gnomAD 0.00007; gnomAD exomes 0.00004; TOPMed 0.00009; ESP Exome Variant Server 0.00015.

Submissions (3):

Labcorp Genetics (formerly Invitae), Labcorp
Classification: Likely benign. Last evaluated: 2026-01-21. Review status: criteria provided, single submitter. Criteria: Invitae Variant Classification Sherloc (09022015). Collection method: clinical testing. Allele origin: germline.

Illumina Laboratory Services, Illumina
Classification: Uncertain significance for Mitochondrial DNA depletion syndrome 1. Last evaluated: 2018-01-13. Review status: criteria provided, single submitter. Criteria: ICSL Variant Classification Criteria 13 December 2019. Collection method: clinical testing. Allele origin: germline.

GeneDx
Classification: Likely benign. Last evaluated: 2017-10-10. Review status: criteria provided, single submitter. Criteria: GeneDx Variant Classification (06012015). Collection method: clinical testing. Allele origin: germline. Affected: yes.
Comment: This variant is considered likely benign or benign based on one or more of the following criteria: it is a conservative change, it occurs at a poorly conserved position in the protein, it is predicted to be benign by multiple in silico algorithms, and/or has population frequency not consistent with disease.